The following is an entry in ClinVar:

NM_006031.6(PCNT):c.9520A>T (p.Ile3174Phe)

Gene: PCNT (pericentrin; plus strand). Cytogenetic location: 21q22.3.
Variant type: single nucleotide variant.
Coding change: c.9520A>T on transcript NM_006031.6 (MANE Select); coding-DNA position 9520, A replaced by T.
Protein change: p.Ile3174Phe; replaces isoleucine 3174 with phenylalanine.
Molecular consequence: missense variant.
Genome position (GRCh38, 1-based): chr21:46,440,981, A>T. VCF-style: chr21-46440981-A-T. GRCh37 (hg19) VCF-style: chr21-47860894-A-T.
Other names: c.8929A>T, p.Ile2977Phe (NM_001315529.2); short protein forms I2977F, I3174F.
Identifiers: ClinVar variation 4983072 (VCV004983072.1).

ClinVar aggregate classification (germline): Uncertain significance (1 of 4 stars; one submission).

Conditions:
PCNT-related disorder. Also called: PCNT-related condition.

Submission:

PreventionGenetics, part of Exact Sciences
Classification: Uncertain significance for PCNT-related condition. Last evaluated: 2026-06-21. Review status: criteria provided, single submitter. Criteria: ACMG Guidelines, 2015. Collection method: clinical testing. Allele origin: germline.
Comment: The PCNT c.9520A>T variant is predicted to result in the amino acid substitution p.Ile3174Phe. To our knowledge, this variant has not been reported in the literature or in a large population database (gnomAD), indicating this variant is rare. At this time, the clinical significance of this variant is uncertain due to the absence of conclusive functional and genetic evidence.